The following is an entry in ClinVar:

ClinVar aggregate classification (germline): Uncertain significance (1 of 4 stars; one submission).

Conditions:
Hermansky-Pudlak syndrome 2 (HPS2). Also called: Platelet defects and oculocutaneous albinism. Identifiers: Orphanet 183678, Orphanet 79430, MedGen C1842362, MONDO:0011997, OMIM 608233.

Allele frequency attached by ClinVar (database versions not stated): gnomAD exomes below 0.00001 and 0.00001; ExAC 0.00001; gnomAD 0.00001; TOPMed 0.00002.
gnomAD v4.1: 2 of 1,613,958 alleles (0.00012%); highest among the groups gnomAD compares: Admixed American, 0.0017%; no homozygotes.

Submission:

Labcorp Genetics (formerly Invitae), Labcorp
Classification: Uncertain significance for Hermansky-Pudlak syndrome 2. Last evaluated: 2023-12-07. Review status: criteria provided, single submitter. Criteria: Invitae Variant Classification Sherloc (09022015). Collection method: clinical testing. Allele origin: germline.
Comment: This sequence change replaces alanine, which is neutral and non-polar, with threonine, which is neutral and polar, at codon 1046 of the AP3B1 protein (p.Ala1046Thr). This variant is present in population databases (rs776628092, gnomAD 0.007%). This variant has not been reported in the literature in individuals affected with AP3B1-related conditions. ClinVar contains an entry for this variant (Variation ID: 1463564). An algorithm developed to predict the effect of missense changes on protein structure and function (PolyPhen-2) suggests that this variant is likely to be disruptive. In summary, the available evidence is currently insufficient to determine the role of this variant in disease. Therefore, it has been classified as a Variant of Uncertain Significance.

NM_003664.5(AP3B1):c.3136G>A (p.Ala1046Thr)

Gene: AP3B1 (adaptor related protein complex 3 subunit beta 1; minus strand). Cytogenetic location: 5q14.1.
Variant type: single nucleotide variant.
Coding change: c.3136G>A on transcript NM_003664.5 (MANE Select); coding-DNA position 3136, G replaced by A.
Protein change: p.Ala1046Thr; replaces alanine 1046 with threonine.
Molecular consequence: missense variant.
Genome position (GRCh38, 1-based): chr5:78,003,051, C>T on the plus strand (G>A on the coding strand, the complement: AP3B1 is on the minus strand). VCF-style: chr5-78003051-C-T. GRCh37 (hg19) VCF-style: chr5-77298875-C-T.
Other names: c.2989G>A, p.Ala997Thr (NM_001271769.2); short protein forms A1046T, A997T.
Identifiers: ClinVar variation 1463564 (VCV001463564.6), dbSNP rs776628092, ClinGen allele CA3316545.